The following is an entry in ClinVar:

ClinVar aggregate classification (germline): Likely pathogenic. Review status: criteria provided, single submitter (1 of 4 stars). 2 submissions from 2 submitters: Likely pathogenic (1). 1 of the submissions does not count toward it. Last evaluated 2023-08-23.

Conditions:
RYR2-related disorder. Also called: RYR2-related condition.

gnomAD v4.1: 3 of 1,613,910 alleles (0.00019%); highest among the groups gnomAD compares: Non-Finnish European, 0.00025%; no homozygotes.

Submissions (2):

Greenwood Genetic Center Diagnostic Laboratories, Greenwood Genetic Center
Classification: Likely pathogenic for RYR2-related disorder. Last evaluated: 2023-08-23. Review status: criteria provided, single submitter. Criteria: ACMG Guidelines, 2015. Collection method: clinical testing. Allele origin: germline.
Comment: PVS1, PM2

PreventionGenetics, part of Exact Sciences
Classification: Uncertain significance for RYR2-related condition. Last evaluated: 2024-05-20. Review status: no assertion criteria provided. Collection method: clinical testing. Allele origin: germline. Not counted in ClinVar's aggregate classification.
Comment: The RYR2 c.727G>T variant is predicted to result in premature protein termination (p.Glu243*). To our knowledge, this variant has not been reported in the literature or in a large population database, indicating this variant is rare. Loss of function has not been conclusively established as a mechanism for RYR2-related disorders. At this time, the clinical significance of this variant is uncertain due to the absence of conclusive functional and genetic evidence.

NM_001035.3(RYR2):c.727G>T (p.Glu243Ter)

Gene: RYR2 (ryanodine receptor 2; plus strand). Cytogenetic location: 1q43.
Variant type: single nucleotide variant.
Coding change: c.727G>T on transcript NM_001035.3 (MANE Select); coding-DNA position 727, G replaced by T.
Protein change: p.Glu243Ter; replaces glutamic acid 243 with a stop codon.
Molecular consequence: nonsense.
Genome position (GRCh38, 1-based): chr1:237,388,137, G>T. VCF-style: chr1-237388137-G-T. GRCh37 (hg19) VCF-style: chr1-237551437-G-T.
Other names: c.727G>T (NM_001035.2); short protein forms E243*.
Identifiers: ClinVar variation 2626900 (VCV002626900.2), dbSNP rs794728712, ClinGen allele CA345378267.